The following is an entry in ClinVar:

NM_001001557.4(GDF6):c.225C>T (p.Pro75=)

Gene: GDF6 (growth differentiation factor 6; minus strand). Cytogenetic location: 8q22.1.
Variant type: single nucleotide variant.
Coding change: c.225C>T on transcript NM_001001557.4 (MANE Select); coding-DNA position 225, C replaced by T.
Protein change: p.Pro75=; no amino-acid change (proline 75 retained).
Molecular consequence: synonymous variant.
Genome position (GRCh38, 1-based): chr8:96,160,468, G>A on the plus strand (C>T on the coding strand, the complement: GDF6 is on the minus strand). VCF-style: chr8-96160468-G-A. GRCh37 (hg19) VCF-style: chr8-97172696-G-A.
Other names: c.225C>T (NM_001001557.3).
Identifiers: ClinVar variation 1136022 (VCV001136022.10), dbSNP rs763584976, ClinGen allele CA4815526.

ClinVar aggregate classification (germline): Likely benign. Review status: criteria provided, multiple submitters, no conflicts (2 of 4 stars). 2 submissions from 2 submitters: Likely benign (2). Last evaluated 2026-08-21.

Conditions:
GDF6-related disorder. Also called: GDF6-related condition.
Microphthalmia, isolated, with coloboma 6 (MCOPCB6). Also called: MICROPHTHALMIA/COLOBOMA 6; Microphthalmia with coloboma 6, digenic; Microphthalmia with coloboma 6. Identifiers: Orphanet 98938, MedGen C3150968, MONDO:0013376, OMIM 613703.
Klippel-Feil syndrome 1, autosomal dominant (KFS1). Also called: CERVICAL VERTEBRAL FUSION, AUTOSOMAL DOMINANT. Identifiers: Orphanet 2345, MedGen C1861689, MONDO:0007306, OMIM 118100.
Leber congenital amaurosis 17 (LCA17). Identifiers: Orphanet 65, MedGen C3715164, MONDO:0014145, OMIM 615360.
Isolated microphthalmia 4. Identifiers: Orphanet 2542, MedGen C2751307, MONDO:0013130, OMIM 613094.

Allele frequency attached by ClinVar (database versions not stated): gnomAD 0.00001; gnomAD exomes 0.00002 and 0.00005; TOPMed 0.00002; ExAC 0.00005.

Submissions (2):

PreventionGenetics, part of Exact Sciences
Classification: Likely benign for GDF6-related condition. Last evaluated: 2026-08-21. Review status: criteria provided, single submitter. Criteria: ACMG Guidelines, 2015. Collection method: clinical testing. Allele origin: germline.
Comment: This variant is classified as likely benign based on ACMG/AMP sequence variant interpretation guidelines (Richards et al. 2015 PMID: 25741868, with internal and published modifications).

Labcorp Genetics (formerly Invitae), Labcorp
Classification: Likely benign for Isolated microphthalmia 4; Leber congenital amaurosis 17; Klippel-Feil syndrome 1, autosomal dominant; Microphthalmia, isolated, with coloboma 6. Last evaluated: 2025-07-22. Review status: criteria provided, single submitter. Criteria: Invitae Variant Classification Sherloc (09022015). Collection method: clinical testing. Allele origin: germline.